The following is an entry in ClinVar:

ClinVar aggregate classification (germline): Benign. Review status: criteria provided, multiple submitters, no conflicts (2 of 4 stars). 6 submissions from 6 submitters: Benign (4). 2 of the submissions do not count toward it. Last evaluated 2026-02-03.

Conditions:
COX6B1-related disorder. Also called: COX6B1-related condition.
Mitochondrial complex IV deficiency, nuclear type 1 (MC4DN1). Also called: Mitochondrial complex IV deficiency; Complex 4 mitochondrial respiratory chain deficiency; Deficiency of mitochondrial respiratory chain complex4; Complex IV deficiency; COX DEFICIENCY. Identifiers: MedGen C5435656, MONDO:0700250, OMIM 220110. Disease mechanism: loss of function.

Allele frequency attached by ClinVar (database versions not stated): gnomAD exomes 0.09314 and 0.12186; ESP Exome Variant Server 0.12048; ExAC 0.12207; gnomAD 0.13052 and 0.13240; TOPMed 0.13494; 1000 Genomes Project 30x 0.18317; 1000 Genomes Project 0.18411.
gnomAD v4.1: 156,688 of 1,613,176 alleles (9.7%); highest among the groups gnomAD compares: East Asian, 28%; 9,699 homozygotes.

Submissions (6):

Labcorp Genetics (formerly Invitae), Labcorp
Classification: Benign. Last evaluated: 2026-02-03. Review status: criteria provided, single submitter. Criteria: Invitae Variant Classification Sherloc (09022015). Collection method: clinical testing. Allele origin: germline.

Illumina Laboratory Services, Illumina
Classification: Benign for Mitochondrial complex IV deficiency, nuclear type 1. Last evaluated: 2018-01-13. Review status: criteria provided, single submitter. Criteria: ICSL Variant Classification Criteria 13 December 2019. Collection method: clinical testing. Allele origin: germline.
Comment: This variant was observed in the ICSL laboratory as part of a predisposition screen in an ostensibly healthy population. It had not been previously curated by ICSL or reported in the Human Gene Mutation Database (HGMD: prior to June 1st, 2018), and was therefore a candidate for classification through an automated scoring system. Utilizing variant allele frequency, disease prevalence and penetrance estimates, and inheritance mode, an automated score was calculated to assess if this variant is too frequent to cause the disease. Based on the score and internal cut-off values, a variant classified as benign is not then subjected to further curation. The score for this variant resulted in a classification of benign for this disease.

GeneDx
Classification: Benign. Last evaluated: 2011-07-06. Review status: criteria provided, single submitter. Criteria: GeneDx Variant Classification (06012015). Collection method: clinical testing. Allele origin: germline. Affected: yes.
Comment: This variant is considered likely benign or benign based on one or more of the following criteria: it is a conservative change, it occurs at a poorly conserved position in the protein, it is predicted to be benign by multiple in silico algorithms, and/or has population frequency not consistent with disease.

Breakthrough Genomics
Classification: Benign. Review status: criteria provided, single submitter. Criteria: ACMG Guidelines, 2015. Collection method: not provided. Allele origin: germline. Inheritance: Autosomal recessive inheritance. Affected: yes.

PreventionGenetics, part of Exact Sciences
Classification: Benign for COX6B1-related condition. Last evaluated: 2020-05-22. Review status: no assertion criteria provided. Collection method: clinical testing. Allele origin: germline. Not counted in ClinVar's aggregate classification.
Comment: This variant is classified as benign based on ACMG/AMP sequence variant interpretation guidelines (Richards et al. 2015 PMID: 25741868, with internal and published modifications).

Mayo Clinic Laboratories, Mayo Clinic
Classification: Benign. Last evaluated: 2016-02-22. Review status: no assertion criteria provided. Collection method: clinical testing. Allele origin: unknown. Not counted in ClinVar's aggregate classification.

NM_001863.5(COX6B1):c.42C>T (p.Thr14=)

Gene: COX6B1 (cytochrome c oxidase subunit 6B1; plus strand). Cytogenetic location: 19q13.12.
Variant type: single nucleotide variant.
Coding change: c.42C>T on transcript NM_001863.5 (MANE Select); coding-DNA position 42, C replaced by T.
Protein change: p.Thr14=; no amino-acid change (threonine 14 retained).
Molecular consequence: synonymous variant.
Genome position (GRCh38, 1-based): chr19:35,651,285, C>T. VCF-style: chr19-35651285-C-T. GRCh37 (hg19) VCF-style: chr19-36142187-C-T.
Other names: p.T14T:ACC>ACT; c.42C>T, p.Thr14= (LRG_1246t1).
Identifiers: ClinVar variation 137022 (VCV000137022.20), dbSNP rs7991, ClinGen allele CA290501.